The following is an entry in ClinVar:

ClinVar aggregate classification (germline): Uncertain significance (1 of 4 stars; one submission).

Allele frequency attached by ClinVar (database versions not stated): TOPMed below 0.00001; gnomAD 0.00001; gnomAD exomes 0.00001 and 0.00005.
gnomAD v4.1: 76 of 1,608,600 alleles (0.0047%); highest among the groups gnomAD compares: Non-Finnish European, 0.0065%; no homozygotes.

Submission:

Labcorp Genetics (formerly Invitae), Labcorp
Classification: Uncertain significance. Last evaluated: 2023-01-28. Review status: criteria provided, single submitter. Criteria: Invitae Variant Classification Sherloc (09022015). Collection method: clinical testing. Allele origin: germline.
Comment: This sequence change replaces serine, which is neutral and polar, with phenylalanine, which is neutral and non-polar, at codon 391 of the GRIN2D protein (p.Ser391Phe). This variant is present in population databases (no rsID available, gnomAD 0.002%). This variant has not been reported in the literature in individuals affected with GRIN2D-related conditions. ClinVar contains an entry for this variant (Variation ID: 1434995). Advanced modeling of protein sequence and biophysical properties (such as structural, functional, and spatial information, amino acid conservation, physicochemical variation, residue mobility, and thermodynamic stability) performed at Invitae indicates that this missense variant is not expected to disrupt GRIN2D protein function. In summary, the available evidence is currently insufficient to determine the role of this variant in disease. Therefore, it has been classified as a Variant of Uncertain Significance.

NM_000836.4(GRIN2D):c.1172C>T (p.Ser391Phe)

Gene: GRIN2D (glutamate ionotropic receptor NMDA type subunit 2D; plus strand). Cytogenetic location: 19q13.33.
Variant type: single nucleotide variant.
Coding change: c.1172C>T on transcript NM_000836.4 (MANE Select); coding-DNA position 1172, C replaced by T.
Protein change: p.Ser391Phe; replaces serine 391 with phenylalanine.
Molecular consequence: missense variant.
Genome position (GRCh38, 1-based): chr19:48,414,077, C>T. VCF-style: chr19-48414077-C-T. GRCh37 (hg19) VCF-style: chr19-48917334-C-T.
Other names: short protein forms S391F.
Identifiers: ClinVar variation 1434995 (VCV001434995.6), dbSNP rs1281945477, ClinGen allele CA406694983.